The following is an entry in ClinVar:

NM_174978.3(C14orf39):c.1704T>G (p.Ser568=)

Gene: C14orf39 (chromosome 14 open reading frame 39; minus strand). Cytogenetic location: 14q23.1.
Variant type: single nucleotide variant.
Coding change: c.1704T>G on transcript NM_174978.3 (MANE Select); coding-DNA position 1704, T replaced by G.
Protein change: p.Ser568=; no amino-acid change (serine 568 retained).
Molecular consequence: synonymous variant.
Genome position (GRCh38, 1-based): chr14:60,436,905, A>C on the plus strand (T>G on the coding strand, the complement: C14orf39 is on the minus strand). VCF-style: chr14-60436905-A-C. GRCh37 (hg19) VCF-style: chr14-60903623-A-C.
Identifiers: ClinVar variation 2644267 (VCV002644267.24), dbSNP rs145164745, ClinGen allele CA7211927.

ClinVar aggregate classification (germline): Likely benign (1 of 4 stars; one submission).

Allele frequency attached by ClinVar (database versions not stated): gnomAD exomes 0.00003; ExAC 0.00018; gnomAD 0.00042; ESP Exome Variant Server 0.00038; TOPMed 0.00040.
gnomAD v4.1: 194 of 1,612,670 alleles (0.012%); highest among the groups gnomAD compares: African/African-American, 0.091%; 4 homozygotes.

Submission:

CeGaT Center for Human Genetics Tuebingen
Classification: Likely benign. Last evaluated: 2023-02-01. Review status: criteria provided, single submitter. Criteria: CeGaT Center For Human Genetics Tuebingen Variant Classification Criteria Version 2. Collection method: clinical testing. Allele origin: germline. Affected: yes. Observed: 1 variant allele.
Comment: C14orf39: BP4, BP7